The following is an entry in ClinVar:

ClinVar aggregate classification (germline): Uncertain significance (1 of 4 stars; one submission).

Conditions:
Hereditary breast ovarian cancer syndrome. Also called: Hereditary breast and ovarian cancer syndrome (HBOC); Hereditary breast and ovarian cancer; Breast and ovarian cancer; Hereditary breast and/or ovarian cancer syndrome; BRCA1- and BRCA2-Associated Hereditary Breast and Ovarian Cancer; Hereditary breast and ovarian cancer syndrome. Identifiers: Orphanet 145, MedGen C0677776, MeSH D061325, MONDO:0003582. Disease mechanism: loss of function.

gnomAD v4.1: 2 of 1,614,110 alleles (0.00012%); highest among the groups gnomAD compares: Non-Finnish European, 0.00017%; no homozygotes.

Submission:

Labcorp Genetics (formerly Invitae), Labcorp
Classification: Uncertain significance for Hereditary breast ovarian cancer syndrome. Last evaluated: 2025-03-07. Review status: criteria provided, single submitter. Criteria: Invitae Variant Classification Sherloc (09022015). Collection method: clinical testing. Allele origin: germline.
Comment: This sequence change replaces valine, which is neutral and non-polar, with isoleucine, which is neutral and non-polar, at codon 1607 of the BRCA1 protein (p.Val1607Ile). This variant is not present in population databases (gnomAD no frequency). This variant has not been reported in the literature in individuals affected with BRCA1-related conditions. Invitae Evidence Modeling of protein sequence and biophysical properties (such as structural, functional, and spatial information, amino acid conservation, physicochemical variation, residue mobility, and thermodynamic stability) indicates that this missense variant is not expected to disrupt BRCA1 protein function with a negative predictive value of 95%. In summary, the available evidence is currently insufficient to determine the role of this variant in disease. Therefore, it has been classified as a Variant of Uncertain Significance.

NM_007294.4(BRCA1):c.4819G>A (p.Val1607Ile)

Gene: BRCA1 (BRCA1 DNA repair associated; minus strand). Cytogenetic location: 17q21.31.
Variant type: single nucleotide variant.
Coding change: c.4819G>A on transcript NM_007294.4 (MANE Select); coding-DNA position 4819, G replaced by A.
Protein change: p.Val1607Ile; replaces valine 1607 with isoleucine.
Molecular consequence: missense variant. On other transcripts: intron variant (1).
Genome position (GRCh38, 1-based): chr17:43,071,095, C>T on the plus strand (G>A on the coding strand, the complement: BRCA1 is on the minus strand). VCF-style: chr17-43071095-C-T. GRCh37 (hg19) VCF-style: chr17-41223112-C-T.
Other names: c.4675G>A, p.Val1559Ile (NM_001407749.1, NM_001407750.1, NM_001407751.1 and 21 more transcripts); c.1246G>A, p.Val416Ile (NM_001408497.1, NM_001408498.1, NM_001408499.1 and 3 more transcripts); c.4672G>A, p.Val1558Ile (NM_001407838.1, NM_001407839.1, NM_001407841.1 and 12 more transcripts); c.1243G>A, p.Val415Ile (NM_001408502.1, NM_001408503.1, NM_001408504.1); c.1240G>A, p.Val414Ile (NM_001408505.1); c.1183G>A, p.Val395Ile (NM_001408506.1); c.1126G>A, p.Val376Ile (NM_001408511.1); c.1171G>A, p.Val391Ile (NM_001408508.1); and 71 more; short protein forms V1310I, V1311I, V1438I, V1453I, V1478I, V1479I, V1480I, V1494I.
Identifiers: ClinVar variation 4800824 (VCV004800824.1).